The following is an entry in ClinVar:

ClinVar aggregate classification (germline): Pathogenic (1 of 4 stars; one submission).

Conditions:
Kleefstra syndrome 1 (KLEFS1). Identifiers: Orphanet 261494, MedGen C0795833, MONDO:0027407, OMIM 610253.

Submission:

Labcorp Genetics (formerly Invitae), Labcorp
Classification: Pathogenic for Kleefstra syndrome 1. Last evaluated: 2023-10-24. Review status: criteria provided, single submitter. Criteria: Invitae Variant Classification Sherloc (09022015). Collection method: clinical testing. Allele origin: germline.
Comment: This sequence change affects a donor splice site in intron 16 of the EHMT1 gene. It is expected to disrupt RNA splicing. Variants that disrupt the donor or acceptor splice site typically lead to a loss of protein function (PMID: 16199547), and loss-of-function variants in EHMT1 are known to be pathogenic (PMID: 16826528, 19264732). This variant is not present in population databases (gnomAD no frequency). Disruption of this splice site has been observed in individual(s) with clinical features of Kleefstra syndrome (Invitae). In at least one individual the variant was observed to be de novo. ClinVar contains an entry for this variant (Variation ID: 2089111). Algorithms developed to predict the effect of sequence changes on RNA splicing suggest that this variant may disrupt the consensus splice site. For these reasons, this variant has been classified as Pathogenic.

Literature cited by the submitters: PubMed 16199547; PubMed 16826528; PubMed 19264732.

NM_024757.5(EHMT1):c.2505+1G>A

Gene: EHMT1 (euchromatic histone lysine methyltransferase 1; plus strand). Cytogenetic location: 9q34.3.
Variant type: single nucleotide variant.
Coding change: c.2505+1G>A on transcript NM_024757.5 (MANE Select); the canonical splice donor site of the intron after coding-DNA position 2505, G replaced by A.
Molecular consequence: splice donor variant.
Genome position (GRCh38, 1-based): chr9:137,790,971, G>A. VCF-style: chr9-137790971-G-A. GRCh37 (hg19) VCF-style: chr9-140685423-G-A.
Other names: c.2484+1G>A (NM_001354263.2); c.2412+1G>A (NM_001354259.2).
Identifiers: ClinVar variation 2089111 (VCV002089111.4), dbSNP rs2538204213, ClinGen allele CA375785689.